The following is an entry in ClinVar:

NM_133433.4(NIPBL):c.7895AAG[4] (p.Glu2636del)

Gene: NIPBL (NIPBL cohesin loading factor; plus strand). Cytogenetic location: 5p13.2.
Variant type: Microsatellite.
Coding change: c.7895AAG[4] on transcript NM_133433.4 (MANE Select); four copies in a row of the 3-base unit AAG starting at c.7895; the reference has five copies in a row; one copy, 3 bases deleted.
Protein change: p.Glu2636del; deletes glutamic acid 2636.
Molecular consequence: inframe deletion.
Genome position (GRCh38, 1-based): chr5:37,063,836-37,063,838, AAG deleted; deleting any 3 consecutive bases within chr5:37,063,823-37,063,838 gives the same sequence; the position shown is the placement nearest the transcript's 3' end. VCF-style (leftmost placement, unchanged base first): chr5-37063822-TGAA-T. GRCh37 (hg19) VCF-style: chr5-37063924-TGAA-T.
Other names: c.7895AAG[4], p.Glu2636del (NM_015384.5); short protein forms E2636del.
Identifiers: ClinVar variation 2989924 (VCV002989924.3), dbSNP rs752183727, ClinGen allele CA3237300.

ClinVar aggregate classification (germline): Uncertain significance (1 of 4 stars; one submission).

Conditions:
Cornelia de Lange syndrome 1 (CDLS1). Also called: Brachmann de Lange syndrome; NIPBL-Related Cornelia de Lange Syndrome; TYPUS DEGENERATIVUS AMSTELODAMENSIS. Identifiers: Orphanet 199, MedGen C4551851, MONDO:0007387, OMIM 122470.

Submission:

Labcorp Genetics (formerly Invitae), Labcorp
Classification: Uncertain significance for Cornelia de Lange syndrome 1. Last evaluated: 2022-11-06. Review status: criteria provided, single submitter. Criteria: Invitae Variant Classification Sherloc (09022015). Collection method: clinical testing. Allele origin: germline.
Comment: This variant, c.7907_7909del, results in the deletion of 1 amino acid(s) of the NIPBL protein (p.Glu2636del), but otherwise preserves the integrity of the reading frame. The frequency data for this variant in the population databases is considered unreliable, as metrics indicate poor data quality at this position in the gnomAD database. This variant has not been reported in the literature in individuals affected with NIPBL-related conditions. Experimental studies and prediction algorithms are not available or were not evaluated, and the functional significance of this variant is currently unknown. In summary, the available evidence is currently insufficient to determine the role of this variant in disease. Therefore, it has been classified as a Variant of Uncertain Significance.